The following is an entry in ClinVar:

NM_007289.4(MME):c.269del (p.Gly90fs)

Gene: MME (membrane metalloendopeptidase; plus strand). Cytogenetic location: 3q25.2.
Variant type: Deletion.
Coding change: c.269del on transcript NM_007289.4 (MANE Select); coding-DNA position 269, one base deleted (G; older notation c.269delG).
Protein change: p.Gly90fs; shifts the reading frame from glycine 90.
Molecular consequence: frameshift variant.
Genome position (GRCh38, 1-based): chr3:155,115,066, G deleted; the last of 2 consecutive G bases (chr3:155,115,065-155,115,066); deleting either gives the same sequence. VCF-style (leftmost placement, unchanged base first): chr3-155115064-AG-A. GRCh37 (hg19) VCF-style: chr3-154832853-AG-A.
Other names: c.269del, p.Gly90fs (NM_000902.5, NM_001354642.2, NM_001354643.1 and 2 more transcripts); short protein forms G90fs.
Identifiers: ClinVar variation 5041534 (VCV005041534.1).
Genomic context (GRCh38, chr3:155,115,064, plus strand): 5'-GATCCAAAACATGGATGCCACCACTGAGCCTTGTACAGACTTTTTCAAATATGCTTGCGG[AG>A]GCTGGTTGAAACGTAATGTCATTCCCGAGACCAGCTCCCGTTACGGCAACTTTGACATTT-3'

ClinVar aggregate classification (germline): Pathogenic (1 of 4 stars; one submission).

Submission:

CeGaT Center for Human Genetics Tuebingen
Classification: Pathogenic. Last evaluated: 2026-09-01. Review status: criteria provided, single submitter. Criteria: CeGaT Center For Human Genetics Tuebingen Variant Classification Criteria Version 2. Collection method: clinical testing. Allele origin: germline. Affected: yes. Observed: 1 variant allele.
Comment: MME: PVS1, PM2